The following is an entry in ClinVar:

NM_000257.4(MYH7):c.4213G>A (p.Glu1405Lys)

Gene: MYH7 (myosin heavy chain 7; minus strand). Cytogenetic location: 14q11.2.
Variant type: single nucleotide variant.
Coding change: c.4213G>A on transcript NM_000257.4 (MANE Select); coding-DNA position 4213, G replaced by A.
Protein change: p.Glu1405Lys; replaces glutamic acid 1405 with lysine.
Molecular consequence: missense variant.
Genome position (GRCh38, 1-based): chr14:23,417,643, C>T on the plus strand (G>A on the coding strand, the complement: MYH7 is on the minus strand). VCF-style: chr14-23417643-C-T. GRCh37 (hg19) VCF-style: chr14-23886852-C-T.
Other names: short protein forms E1405K.
Identifiers: ClinVar variation 923323 (VCV000923323.10), dbSNP rs1431555615, ClinGen allele CA389040483.
Genomic context (GRCh38, chr14:23,417,643, plus strand): 5'-TCTCATTCTGTAGCCGGTGCTTGGTCTTCTCCAGCGAGGAGCACTTGGCATTAACAGCCT[C>T]CACGGCCTCCTCAGCTTCCTGCAGCCGCTGGGCCAGCTTCTTCCTGCCCAGGGGAGGGTG-3'
Protein context (NP_000248.2, residues 1395-1415): QRLQEAEEAV[Glu1405Lys]AVNAKCSSLE

ClinVar aggregate classification (germline): Uncertain significance. Review status: criteria provided, multiple submitters, no conflicts (2 of 4 stars). 4 submissions from 4 submitters: Uncertain significance (4). Last evaluated 2025-06-04.

Conditions:
Cardiovascular phenotype. Identifiers: MedGen CN230736.
Cardiomyopathy (CMYO). Also called: Cardiomyopathies. Identifiers: Orphanet 167848, MedGen C0878544, MONDO:0004994, HP:0001638. Inheritance: Various modes of inheritance.
Hypertrophic cardiomyopathy. Also called: HYPERTROPHIC MYOCARDIOPATHY. Identifiers: Orphanet 217569, MedGen C0007194, MeSH D002312, MONDO:0005045, HP:0001639.

Allele frequency attached by ClinVar (database versions not stated): gnomAD exomes below 0.00001; TOPMed below 0.00001; gnomAD 0.00001.
gnomAD v4.1: 3 of 1,612,978 alleles (0.00019%); highest among the groups gnomAD compares: Admixed American, 0.0033%; no homozygotes.

Submissions (4):

Labcorp Genetics (formerly Invitae), Labcorp
Classification: Uncertain significance for Hypertrophic cardiomyopathy. Last evaluated: 2025-06-04. Review status: criteria provided, single submitter. Criteria: Invitae Variant Classification Sherloc (09022015). Collection method: clinical testing. Allele origin: germline.
Comment: This sequence change replaces glutamic acid, which is acidic and polar, with lysine, which is basic and polar, at codon 1405 of the MYH7 protein (p.Glu1405Lys). This variant is not present in population databases (gnomAD no frequency). This variant has not been reported in the literature in individuals affected with MYH7-related conditions. ClinVar contains an entry for this variant (Variation ID: 923323). Invitae Evidence Modeling of protein sequence and biophysical properties (such as structural, functional, and spatial information, amino acid conservation, physicochemical variation, residue mobility, and thermodynamic stability) indicates that this missense variant is expected to disrupt MYH7 protein function with a positive predictive value of 95%. In summary, the available evidence is currently insufficient to determine the role of this variant in disease. Therefore, it has been classified as a Variant of Uncertain Significance.

Molecular Diagnostic Laboratory for Inherited Cardiovascular Disease, Montreal Heart Institute
Classification: Uncertain significance for Cardiovascular phenotype. Last evaluated: 2025-04-09. Review status: criteria provided, single submitter. Criteria: ACMG Guidelines, 2015. Collection method: clinical testing. Allele origin: germline. Affected: yes.

Color Diagnostics, LLC DBA Color Health
Classification: Uncertain significance for Cardiomyopathy. Last evaluated: 2024-03-06. Review status: criteria provided, single submitter. Criteria: ACMG Guidelines, 2015. Collection method: clinical testing. Allele origin: germline.
Comment: This missense variant replaces glutamic acid with lysine at codon 1405 of the MYH7 protein. Computational prediction suggests that this variant may have deleterious impact on protein structure and function (internally defined REVEL score threshold >= 0.7, PMID: 27666373). To our knowledge, functional studies have not been reported for this variant. This variant has not been reported in individuals affected with MYH7-related disorders in the literature. This variant has not been identified in the general population by the Genome Aggregation Database (gnomAD). The available evidence is insufficient to determine the role of this variant in disease conclusively. Therefore, this variant is classified as a Variant of Uncertain Significance.

All of Us Research Program, National Institutes of Health
Classification: Uncertain significance for Cardiomyopathy. Last evaluated: 2024-02-22. Review status: criteria provided, single submitter. Criteria: ACMG Guidelines, 2015. Collection method: clinical testing. Allele origin: germline. Inheritance: Autosomal dominant inheritance. Observed: 1 variant allele, 1 heterozygote.
Comment: This missense variant replaces glutamic acid with lysine at codon 1405 of the MYH7 protein. Computational prediction suggests that this variant may have deleterious impact on protein structure and function (internally defined REVEL score threshold >= 0.7, PMID: 27666373). To our knowledge, functional studies have not been reported for this variant. This variant has not been reported in individuals affected with MYH7-related disorders in the literature. This variant has not been identified in the general population by the Genome Aggregation Database (gnomAD). The available evidence is insufficient to determine the role of this variant in disease conclusively. Therefore, this variant is classified as a Variant of Uncertain Significance.

This study involves interpretation of variants in research participants for the purpose of population health screening. Participant phenotype was not available at the time of variant classification. Additional details can be found in publication PMID: 35346344, PMCID: PMC8962531